The following is an entry in ClinVar:

ClinVar aggregate classification (germline): Uncertain significance. Review status: criteria provided, multiple submitters, no conflicts (2 of 4 stars). 2 submissions from 2 submitters: Uncertain significance (2). Last evaluated 2025-12-04.

Conditions:
Familial cancer of breast. Also called: hereditary breast carcinoma; Hereditary breast cancer; BREAST CANCER, FAMILIAL. Identifiers: Orphanet 227535, MedGen C0346153, MONDO:0016419, OMIM 114480. Disease mechanism: loss of function.
Fanconi anemia complementation group J. Also called: BRIP1-Related Fanconi Anemia. Identifiers: Orphanet 84, MedGen C1836860, MONDO:0012187, OMIM 609054.
Hereditary cancer-predisposing syndrome. Also called: Hereditary neoplastic syndrome; Hereditary Cancer Syndrome; Neoplastic Syndromes, Hereditary; Tumor predisposition. Identifiers: Orphanet 140162, MedGen C0027672, MeSH D009386, MONDO:0015356.

gnomAD v4.1: 1 of 1,612,654 alleles (0.000062%); highest among the groups gnomAD compares: Non-Finnish European, 0.000085%; no homozygotes.

Submissions (2):

Ambry Genetics
Classification: Uncertain significance for Hereditary cancer-predisposing syndrome. Last evaluated: 2025-12-04. Review status: criteria provided, single submitter. Criteria: Ambry Variant Classification Scheme 2023. Collection method: clinical testing. Allele origin: germline.
Comment: The p.G1155A variant (also known as c.3464G>C), located in coding exon 19 of the BRIP1 gene, results from a G to C substitution at nucleotide position 3464. The glycine at codon 1155 is replaced by alanine, an amino acid with similar properties. This amino acid position is conserved. In addition, this alteration is predicted to be tolerated by in silico analysis. Based on the available evidence, the clinical significance of this variant remains unclear.

Labcorp Genetics (formerly Invitae), Labcorp
Classification: Uncertain significance for Familial cancer of breast; Fanconi anemia complementation group J. Last evaluated: 2025-05-13. Review status: criteria provided, single submitter. Criteria: Invitae Variant Classification Sherloc (09022015). Collection method: clinical testing. Allele origin: germline.
Comment: This sequence change replaces glycine, which is neutral and non-polar, with alanine, which is neutral and non-polar, at codon 1155 of the BRIP1 protein (p.Gly1155Ala). This variant is not present in population databases (gnomAD no frequency). This variant has not been reported in the literature in individuals affected with BRIP1-related conditions. Invitae Evidence Modeling of protein sequence and biophysical properties (such as structural, functional, and spatial information, amino acid conservation, physicochemical variation, residue mobility, and thermodynamic stability) indicates that this missense variant is not expected to disrupt BRIP1 protein function with a negative predictive value of 95%. In summary, the available evidence is currently insufficient to determine the role of this variant in disease. Therefore, it has been classified as a Variant of Uncertain Significance.

NM_032043.3(BRIP1):c.3464G>C (p.Gly1155Ala)

Gene: BRIP1 (BRCA1 interacting DNA helicase 1; minus strand). Cytogenetic location: 17q23.2.
Variant type: single nucleotide variant.
Coding change: c.3464G>C on transcript NM_032043.3 (MANE Select); coding-DNA position 3464, G replaced by C.
Protein change: p.Gly1155Ala; replaces glycine 1155 with alanine.
Molecular consequence: missense variant.
Genome position (GRCh38, 1-based): chr17:61,683,582, C>G on the plus strand (G>C on the coding strand, the complement: BRIP1 is on the minus strand). VCF-style: chr17-61683582-C-G. GRCh37 (hg19) VCF-style: chr17-59760943-C-G.
Other names: short protein forms G1155A.
Identifiers: ClinVar variation 4631198 (VCV004631198.2).